The following is an entry in ClinVar:

NM_001378452.1(ITPR1):c.7643G>C (p.Ser2548Thr)

Genes: ITPR1 (inositol 1,4,5-trisphosphate receptor type 1; plus strand), LOC126806590 (MED14-independent group 3 enhancer GRCh37_chr3:4855759-4856958; plus strand). Cytogenetic location: 3p26.1.
Variant type: single nucleotide variant.
Coding change: c.7643G>C on transcript NM_001378452.1 (MANE Select); coding-DNA position 7643, G replaced by C.
Protein change: p.Ser2548Thr; replaces serine 2548 with threonine.
Molecular consequence: missense variant.
Genome position (GRCh38, 1-based): chr3:4,814,504, G>C. VCF-style: chr3-4814504-G-C. GRCh37 (hg19) VCF-style: chr3-4856188-G-C.
Other names: c.7499G>C, p.Ser2500Thr (NM_001099952.4); c.7598G>C, p.Ser2533Thr (NM_001168272.2); c.7454G>C, p.Ser2485Thr (NM_002222.7); short protein forms S2500T, S2533T, S2485T, S2548T.
Identifiers: ClinVar variation 3670692 (VCV003670692.2).

ClinVar aggregate classification (germline): Uncertain significance (1 of 4 stars; one submission).

Submission:

Labcorp Genetics (formerly Invitae), Labcorp
Classification: Uncertain significance. Last evaluated: 2024-08-27. Review status: criteria provided, single submitter. Criteria: Invitae Variant Classification Sherloc (09022015). Collection method: clinical testing. Allele origin: germline.
Comment: This sequence change replaces serine, which is neutral and polar, with threonine, which is neutral and polar, at codon 2485 of the ITPR1 protein (p.Ser2485Thr). This variant is not present in population databases (gnomAD no frequency). This variant has not been reported in the literature in individuals affected with ITPR1-related conditions. Invitae Evidence Modeling of protein sequence and biophysical properties (such as structural, functional, and spatial information, amino acid conservation, physicochemical variation, residue mobility, and thermodynamic stability) indicates that this missense variant is not expected to disrupt ITPR1 protein function with a negative predictive value of 95%. In summary, the available evidence is currently insufficient to determine the role of this variant in disease. Therefore, it has been classified as a Variant of Uncertain Significance.